The following is an entry in ClinVar:

NM_032634.4(PIGO):c.3118G>A (p.Val1040Ile)

Gene: PIGO (phosphatidylinositol glycan anchor biosynthesis class O; minus strand). Cytogenetic location: 9p13.3.
Variant type: single nucleotide variant.
Coding change: c.3118G>A on transcript NM_032634.4 (MANE Select); coding-DNA position 3118, G replaced by A.
Protein change: p.Val1040Ile; replaces valine 1040 with isoleucine.
Molecular consequence: missense variant.
Genome position (GRCh38, 1-based): chr9:35,089,402, C>T on the plus strand (G>A on the coding strand, the complement: PIGO is on the minus strand). VCF-style: chr9-35089402-C-T. GRCh37 (hg19) VCF-style: chr9-35089399-C-T.
Other names: c.1867G>A, p.Val623Ile (NM_001201484.2, NM_152850.4); short protein forms V1040I, V623I.
Identifiers: ClinVar variation 366753 (VCV000366753.25), dbSNP rs149439295, ClinGen allele CA5040241.

ClinVar aggregate classification (germline): Conflicting classifications of pathogenicity. Review status: criteria provided, conflicting classifications (1 of 4 stars). 6 submissions from 6 submitters: Uncertain significance (4); Likely benign (2). Last evaluated 2025-12-01.

Conditions:
Hyperphosphatasia with impaired intellectual development syndrome 2. Also called: Hyperphosphatasia with intellectual disability syndrome 2; GLYCOSYLPHOSPHATIDYLINOSITOL BIOSYNTHESIS DEFECT 6. Identifiers: Orphanet 247262, MedGen C3553637, MONDO:0013882, OMIM 614749.
PIGO-related disorder. Also called: PIGO-related condition.

Allele frequency attached by ClinVar (database versions not stated): gnomAD 0.00003; ExAC 0.00025; TOPMed 0.00020; gnomAD exomes 0.00036.
gnomAD v4.1: 317 of 1,614,056 alleles (0.02%); highest among the groups gnomAD compares: South Asian, 0.011%; 1 homozygote.

Submissions (6):

Labcorp Genetics (formerly Invitae), Labcorp
Classification: Likely benign for Hyperphosphatasia with impaired intellectual development syndrome 2. Last evaluated: 2025-12-01. Review status: criteria provided, single submitter. Criteria: Invitae Variant Classification Sherloc (09022015). Collection method: clinical testing. Allele origin: germline.

PreventionGenetics, part of Exact Sciences
Classification: Uncertain significance for PIGO-related condition. Last evaluated: 2022-10-13. Review status: criteria provided, single submitter. Criteria: ACMG Guidelines, 2015. Collection method: clinical testing. Allele origin: germline.
Comment: The PIGO c.3118G>A variant is predicted to result in the amino acid substitution p.Val1040Ile. To our knowledge, this variant has not been reported in the literature. This variant is reported in 0.65% of alleles in individuals of Ashkenazi Jewish descent in gnomAD, which is likely too frequent for a pathogenic variant. At this time, the clinical significance of this variant is uncertain due to the absence of conclusive functional and genetic evidence.

GeneDx
Classification: Likely benign. Last evaluated: 2021-01-14. Review status: criteria provided, single submitter. Criteria: GeneDx Variant Classification Process June 2021. Collection method: clinical testing. Allele origin: germline. Affected: yes.
Comment: In silico analysis, which includes protein predictors and evolutionary conservation, supports that this variant does not alter protein structure/function; Has not been previously published as pathogenic or benign to our knowledge

New York Genome Center
Classification: Uncertain significance for Hyperphosphatasia with impaired intellectual development syndrome 2. Last evaluated: 2020-05-07. Review status: criteria provided, single submitter. Criteria: NYGC Assertion Criteria 2020. Collection method: clinical testing. Allele origin: germline. Observed: 2 heterozygotes. Clinical features observed: Seizure (HP:0001250), Intellectual disability (HP:0001249), Generalized non-motor (absence) seizure (HP:0002121). Study: CSER-NYCKidSeq.

Division Of Personalized Genomic Medicine, Columbia University Irving Medical Center
Classification: Uncertain significance for Hyperphosphatasia with impaired intellectual development syndrome 2. Last evaluated: 2020-01-24. Review status: criteria provided, single submitter. Criteria: ACMG Guidelines, 2015. Collection method: clinical testing. Allele origin: germline. Inheritance: Autosomal recessive inheritance. Observed: 1 compound heterozygote.
Comment: The c.3118G>A variant in the PIGO gene is missense variant, which results in the substitution of a conserved valine residue at amino acid position 1040 for an isoleucine (NP_116023.2). This variant localizes to coding exon 10 of the PIGO gene (11 coding exons in total; NM_032634.4). In silico predictors for this variant are not consistent: It is predicted to be neutral to protein structure and/or function by PROVEAN, but is predicted to be damaging by SIFT. This variant was reported in Genome Aggregation Database (gnomAD) with an allelic frequency of 0.0325% (92 out of 282,864 alleles). This variant is reported in ClinVar with three submissions of conflicting interpretation of pathogenicity, with two laboratories classifying it as a variant of uncertain clinical significance and one variant classifying it as likely benign (Variation ID# 366753). To the best of our knowledge, this specific variant has not been reported in the literature. Given this evidence, the c.3118G>A, p.Val1040Ile variant in PIGO is considered a variant of uncertain clinical significance.

Illumina Laboratory Services, Illumina
Classification: Uncertain significance for Hyperphosphatasia with impaired intellectual development syndrome 2. Last evaluated: 2018-01-13. Review status: criteria provided, single submitter. Criteria: ICSL Variant Classification Criteria 13 December 2019. Collection method: clinical testing. Allele origin: germline.